The following is an entry in ClinVar:

ClinVar aggregate classification (germline): Benign/Likely benign. Review status: criteria provided, multiple submitters, no conflicts (2 of 4 stars). 7 submissions from 7 submitters: Benign (3); Likely benign (3). 1 of the submissions does not count toward it. Last evaluated 2026-01-08.

Conditions:
Inborn genetic diseases. Identifiers: MedGen C0950123, MeSH D030342.
SAMD9L-related disorder. Also called: SAMD9L-related condition; SAMD9L-related disorders.

Allele frequency attached by ClinVar (database versions not stated): TOPMed 0.00191; 1000 Genomes Project 0.00200; ESP Exome Variant Server 0.00208; 1000 Genomes Project 30x 0.00265; gnomAD exomes 0.00016 and 0.00041; ExAC 0.00053; gnomAD 0.00165 and 0.00173.

Submissions (7):

Labcorp Genetics (formerly Invitae), Labcorp
Classification: Benign. Last evaluated: 2026-01-08. Review status: criteria provided, single submitter. Criteria: Invitae Variant Classification Sherloc (09022015). Collection method: clinical testing. Allele origin: germline.

Mayo Clinic Laboratories, Mayo Clinic
Classification: Benign. Last evaluated: 2025-09-23. Review status: criteria provided, single submitter. Criteria: ACMG Guidelines, 2015. Collection method: clinical testing. Allele origin: germline. Observed: 1 variant allele.
Comment: BA1, BP4, BP7

Ambry Genetics
Classification: Likely benign for Inborn genetic diseases. Last evaluated: 2024-10-04. Review status: criteria provided, single submitter. Criteria: Ambry Variant Classification Scheme 2023. Collection method: clinical testing. Allele origin: germline.

Blueprint Genetics
Classification: Likely benign. Last evaluated: 2024-03-26. Review status: criteria provided, single submitter. Criteria: ACMG Guidelines, 2015. Collection method: clinical testing. Allele origin: germline.

GeneDx
Classification: Likely benign. Last evaluated: 2021-04-19. Review status: criteria provided, single submitter. Criteria: GeneDx Variant Classification Process June 2021. Collection method: clinical testing. Allele origin: germline. Affected: yes.

Genetic Services Laboratory, University of Chicago
Classification: Benign. Last evaluated: 2020-10-01. Review status: criteria provided, single submitter. Criteria: ACMG Guidelines, 2015. Collection method: clinical testing. Allele origin: germline. Affected: no.

PreventionGenetics, part of Exact Sciences
Classification: Benign for SAMD9L-related condition. Last evaluated: 2020-04-27. Review status: no assertion criteria provided. Collection method: clinical testing. Allele origin: germline. Not counted in ClinVar's aggregate classification.
Comment: This variant is classified as benign based on ACMG/AMP sequence variant interpretation guidelines (Richards et al. 2015 PMID: 25741868, with internal and published modifications).

NM_152703.5(SAMD9L):c.2127T>C (p.Phe709=)

Gene: SAMD9L (sterile alpha motif domain containing 9 like; minus strand). Cytogenetic location: 7q21.2.
Variant type: single nucleotide variant.
Coding change: c.2127T>C on transcript NM_152703.5 (MANE Select); coding-DNA position 2127, T replaced by C.
Protein change: p.Phe709=; no amino-acid change (phenylalanine 709 retained).
Molecular consequence: synonymous variant.
Genome position (GRCh38, 1-based): chr7:93,133,845, A>G on the plus strand (T>C on the coding strand, the complement: SAMD9L is on the minus strand). VCF-style: chr7-93133845-A-G. GRCh37 (hg19) VCF-style: chr7-92763158-A-G.
Other names: p.Phe709=; c.2127T>C, p.Phe709= (NM_001303496.3, NM_001303497.3, NM_001303498.3 and 5 more transcripts); c.2127T>C (NM_152703.2).
Identifiers: ClinVar variation 792083 (VCV000792083.19), dbSNP rs7792360, ClinGen allele CA4343634.